The following is an entry in ClinVar:

ClinVar aggregate classification (germline): Uncertain significance (1 of 4 stars; one submission).

Allele frequency attached by ClinVar (database versions not stated): TOPMed below 0.00001; ESP Exome Variant Server 0.00008.

Submission:

Labcorp Genetics (formerly Invitae), Labcorp
Classification: Uncertain significance. Last evaluated: 2024-05-02. Review status: criteria provided, single submitter. Criteria: Invitae Variant Classification Sherloc (09022015). Collection method: clinical testing. Allele origin: germline.
Comment: This sequence change replaces arginine, which is basic and polar, with histidine, which is basic and polar, at codon 774 of the KDM1A protein (p.Arg774His). This variant is not present in population databases (gnomAD no frequency). This variant has not been reported in the literature in individuals affected with KDM1A-related conditions. Advanced modeling of protein sequence and biophysical properties (such as structural, functional, and spatial information, amino acid conservation, physicochemical variation, residue mobility, and thermodynamic stability) performed at Invitae indicates that this missense variant is expected to disrupt KDM1A protein function with a positive predictive value of 80%. In summary, the available evidence is currently insufficient to determine the role of this variant in disease. Therefore, it has been classified as a Variant of Uncertain Significance.

NM_001009999.3(KDM1A):c.2321G>A (p.Arg774His)

Gene: KDM1A (lysine demethylase 1A; plus strand). Cytogenetic location: 1p36.12.
Variant type: single nucleotide variant.
Coding change: c.2321G>A on transcript NM_001009999.3 (MANE Select); coding-DNA position 2321, G replaced by A.
Protein change: p.Arg774His; replaces arginine 774 with histidine.
Molecular consequence: missense variant.
Genome position (GRCh38, 1-based): chr1:23,082,242, G>A. VCF-style: chr1-23082242-G-A. GRCh37 (hg19) VCF-style: chr1-23408735-G-A.
Other names: c.2267G>A, p.Arg756His (NM_001363654.2); c.2327G>A, p.Arg776His (NM_001410762.1); c.2249G>A, p.Arg750His (NM_001410763.1, NM_015013.4); short protein forms R750H, R756H, R774H, R776H.
Identifiers: ClinVar variation 2807291 (VCV002807291.3), dbSNP rs371062465, ClinGen allele CA19217542.
Genomic context (GRCh38, chr1:23,082,242, plus strand): 5'-TGTCTCGTAATGACTTTTGCTCCTGGTTTTTCTTTTAGCCCAAAGAAACTGTGGTGTCTC[G>A]TTGGCGTGCTGATCCCTGGGCTCGGGGCTCTTATTCCTATGTTGCTGCAGGATCATCTGG-3'
Protein context (NP_001009999.1, residues 764-784): VPQPKETVVS[Arg774His]WRADPWARGS